The following is an entry in ClinVar:

ClinVar aggregate classification (germline): Uncertain significance. Review status: criteria provided, multiple submitters, no conflicts (2 of 4 stars). 2 submissions from 2 submitters: Uncertain significance (2). Last evaluated 2025-06-03.

Allele frequency attached by ClinVar (database versions not stated): gnomAD 0.00001; ExAC 0.00002; gnomAD exomes 0.00002; TOPMed 0.00002; 1000 Genomes Project 30x 0.00016; 1000 Genomes Project 0.00020.
gnomAD v4.1: 12 of 1,613,946 alleles (0.00074%); highest among the groups gnomAD compares: Admixed American, 0.015%; no homozygotes.

Submissions (2):

Labcorp Genetics (formerly Invitae), Labcorp
Classification: Uncertain significance. Last evaluated: 2025-06-03. Review status: criteria provided, single submitter. Criteria: Invitae Variant Classification Sherloc (09022015). Collection method: clinical testing. Allele origin: germline.
Comment: This sequence change replaces tyrosine, which is neutral and polar, with cysteine, which is neutral and slightly polar, at codon 608 of the ADGRE2 protein (p.Tyr608Cys). This variant is present in population databases (rs202154380, gnomAD 0.03%). This variant has not been reported in the literature in individuals affected with ADGRE2-related conditions. ClinVar contains an entry for this variant (Variation ID: 2171963). An algorithm developed to predict the effect of missense changes on protein structure and function (PolyPhen-2) suggests that this variant is likely to be disruptive. In summary, the available evidence is currently insufficient to determine the role of this variant in disease. Therefore, it has been classified as a Variant of Uncertain Significance.

Ambry Genetics
Classification: Uncertain significance. Last evaluated: 2022-06-29. Review status: criteria provided, single submitter. Criteria: Ambry Variant Classification Scheme 2023. Collection method: clinical testing. Allele origin: germline.

NM_013447.4(ADGRE2):c.1823A>G (p.Tyr608Cys)

Gene: ADGRE2 (adhesion G protein-coupled receptor E2; minus strand). Cytogenetic location: 19p13.12.
Variant type: single nucleotide variant.
Coding change: c.1823A>G on transcript NM_013447.4 (MANE Select); coding-DNA position 1823, A replaced by G.
Protein change: p.Tyr608Cys; replaces tyrosine 608 with cysteine.
Molecular consequence: missense variant.
Genome position (GRCh38, 1-based): chr19:14,751,637, T>C on the plus strand (A>G on the coding strand, the complement: ADGRE2 is on the minus strand). VCF-style: chr19-14751637-T-C. GRCh37 (hg19) VCF-style: chr19-14862449-T-C.
Other names: c.1649A>G, p.Tyr550Cys (NM_001271052.1); c.1676A>G, p.Tyr559Cys (NM_152916.2); c.1544A>G, p.Tyr515Cys (NM_152917.2); c.1823A>G (NM_013447.2); short protein forms Y515C, Y550C, Y608C, Y559C.
Identifiers: ClinVar variation 2171963 (VCV002171963.5), dbSNP rs202154380, ClinGen allele CA9257571.